The following is an entry in ClinVar:

ClinVar aggregate classification (germline): Uncertain significance (1 of 4 stars; one submission).

Submission:

GeneDx
Classification: Uncertain significance. Last evaluated: 2024-11-05. Review status: criteria provided, single submitter. Criteria: GeneDx Variant Classification Process June 2021. Collection method: clinical testing. Allele origin: germline. Affected: yes.
Comment: Not observed at significant frequency in large population cohorts (gnomAD); In-frame deletion of 3 amino acid(s) in a non-repeat region; In silico analysis supports a deleterious effect on protein structure/function; Has not been previously published as pathogenic or benign to our knowledge

NM_015057.5(MYCBP2):c.5361_5369del (p.Thr1788_Ser1790del)

Gene: MYCBP2 (MYC binding protein 2; minus strand). Cytogenetic location: 13q22.3.
Variant type: Deletion.
Coding change: c.5361_5369del on transcript NM_015057.5 (MANE Select); coding-DNA positions 5361 to 5369, 9 bases deleted (AACTCATTC; older notation c.5361_5369delAACTCATTC).
Protein change: p.Thr1788_Ser1790del.
Genome position (GRCh38, 1-based): chr13:77,176,600-77,176,608, GAATGAGTT deleted on the plus strand (AACTCATTC on the coding strand, the reverse complement: MYCBP2 is on the minus strand); deleting any 9 consecutive bases within chr13:77,176,600-77,176,612 gives the same sequence; the c. name uses the placement nearest the transcript's 3' end. VCF-style (leftmost placement, unchanged base first): chr13-77176599-GGAATGAGTT-G. GRCh37 (hg19) VCF-style: chr13-77750734-GGAATGAGTT-G.
Identifiers: ClinVar variation 3897153 (VCV003897153.1).
Genomic context (GRCh38, chr13:77,176,599, plus strand): 5'-ACTGGGTGAGTCATCCGTTGTGTACGTTCCTTTCACTAATTCCAGAGATGTCCATCTGTG[GGAATGAGTT>G]GAATCTCCTGCATGTTCACTCTAAAAAAAAAAAATGAAACACAAAAATTCCAACAGACTC-3'